The following is an entry in ClinVar:

ClinVar aggregate classification (germline): Uncertain significance. Review status: criteria provided, single submitter (1 of 4 stars). 2 submissions from 2 submitters: Uncertain significance (1). 1 of the submissions does not count toward it. Last evaluated 2025-08-09.

Conditions:
BBS12-related disorder. Also called: BBS12-related condition.
Inborn genetic diseases. Identifiers: MedGen C0950123, MeSH D030342.

gnomAD v4.1: 41 of 1,614,098 alleles (0.0025%); highest among the groups gnomAD compares: Non-Finnish European, 0.0035%; no homozygotes.

Submissions (2):

Ambry Genetics
Classification: Uncertain significance for Inborn genetic diseases. Last evaluated: 2025-08-09. Review status: criteria provided, single submitter. Criteria: Ambry Variant Classification Scheme 2023. Collection method: clinical testing. Allele origin: germline.

PreventionGenetics, part of Exact Sciences
Classification: Uncertain significance for BBS12-related condition. Last evaluated: 2024-05-02. Review status: no assertion criteria provided. Collection method: clinical testing. Allele origin: germline. Not counted in ClinVar's aggregate classification.
Comment: The BBS12 c.575G>T variant is predicted to result in the amino acid substitution p.Arg192Ile. To our knowledge, this variant has not been reported in the literature. This variant is reported in 0.0026% of alleles in individuals of European (Non-Finnish) descent in gnomAD. At this time, the clinical significance of this variant is uncertain due to the absence of conclusive functional and genetic evidence.

NM_152618.3(BBS12):c.575G>T (p.Arg192Ile)

Gene: BBS12 (Bardet-Biedl syndrome 12; plus strand). Cytogenetic location: 4q27.
Variant type: single nucleotide variant.
Coding change: c.575G>T on transcript NM_152618.3 (MANE Select); coding-DNA position 575, G replaced by T.
Protein change: p.Arg192Ile; replaces arginine 192 with isoleucine.
Molecular consequence: missense variant.
Genome position (GRCh38, 1-based): chr4:122,742,467, G>T. VCF-style: chr4-122742467-G-T. GRCh37 (hg19) VCF-style: chr4-123663622-G-T.
Other names: c.575G>T, p.Arg192Ile (NM_001178007.2); short protein forms R192I.
Identifiers: ClinVar variation 3356115 (VCV003356115.2).